The following is an entry in ClinVar:

NM_000159.4(GCDH):c.471_473del (p.Ser157_Glu158delinsArg)

Gene: GCDH (glutaryl-CoA dehydrogenase; plus strand). Cytogenetic location: 19p13.13.
Variant type: Deletion.
Coding change: c.471_473del on transcript NM_000159.4 (MANE Select); coding-DNA positions 471 to 473, 3 bases deleted (CGA; older notation c.471_473delCGA).
Protein change: p.Ser157_Glu158delinsArg.
Molecular consequence: inframe indel. On other transcripts: non-coding transcript variant (2).
Genome position (GRCh38, 1-based): chr19:12,893,619-12,893,621, CGA deleted. VCF-style (leftmost placement, unchanged base first): chr19-12893618-GCGA-G. GRCh37 (hg19) VCF-style: chr19-13004432-GCGA-G.
Other names: c.471_473del, p.Ser157_Glu158delinsArg (NM_013976.5).
Identifiers: ClinVar variation 3677177 (VCV003677177.2).

ClinVar aggregate classification (germline): Uncertain significance (1 of 4 stars; one submission).

Conditions:
Glutaric aciduria, type 1. Also called: Glutaricaciduria, type I; Glutaric Acidemia Type 1; Glutaryl-CoA dehydrogenase deficiency; Glutaric acidemia type I; GA I; Glutaricacidemia Type 1. Identifiers: Orphanet 25, MedGen C0268595, MONDO:0009281, OMIM 231670.

Submission:

Labcorp Genetics (formerly Invitae), Labcorp
Classification: Uncertain significance for Glutaric aciduria, type 1. Last evaluated: 2024-10-07. Review status: criteria provided, single submitter. Criteria: Invitae Variant Classification Sherloc (09022015). Collection method: clinical testing. Allele origin: germline.
Comment: This variant, c.471_473del, is a complex sequence change that results in the deletion of 2 and insertion of 1 amino acid(s) in the GCDH protein (p.Ser157_Glu158delinsArg). This variant is not present in population databases (gnomAD no frequency). This variant has been observed in individual(s) with glutaric aciduria type 1 (PMID: 32240488). In at least one individual the data is consistent with being in trans (on the opposite chromosome) from a pathogenic variant. In summary, the available evidence is currently insufficient to determine the role of this variant in disease. Therefore, it has been classified as a Variant of Uncertain Significance.

Literature cited by the submitters: PubMed 32240488.